The following is an entry in ClinVar:

ClinVar aggregate classification (germline): Uncertain significance. Review status: criteria provided, multiple submitters, no conflicts (2 of 4 stars). 2 submissions from 2 submitters: Uncertain significance (2). Last evaluated 2025-12-21.

Conditions:
Hereditary cancer-predisposing syndrome. Also called: Hereditary Cancer Syndrome; Neoplastic Syndromes, Hereditary; Hereditary neoplastic syndrome; Tumor predisposition. Identifiers: Orphanet 140162, MedGen C0027672, MeSH D009386, MONDO:0015356.

Allele frequency attached by ClinVar (database versions not stated): TOPMed below 0.00001; gnomAD 0.00001.

Submissions (2):

Labcorp Genetics (formerly Invitae), Labcorp
Classification: Uncertain significance. Last evaluated: 2025-12-21. Review status: criteria provided, single submitter. Criteria: Invitae Variant Classification Sherloc (09022015). Collection method: clinical testing. Allele origin: germline.
Comment: This sequence change replaces alanine, which is neutral and non-polar, with glycine, which is neutral and non-polar, at codon 21 of the FH protein (p.Ala21Gly). This variant is not present in population databases (gnomAD no frequency). This variant has not been reported in the literature in individuals affected with FH-related conditions. ClinVar contains an entry for this variant (Variation ID: 429190). Invitae Evidence Modeling of protein sequence and biophysical properties (such as structural, functional, and spatial information, amino acid conservation, physicochemical variation, residue mobility, and thermodynamic stability) indicates that this missense variant is not expected to disrupt FH protein function with a negative predictive value of 95%. In summary, the available evidence is currently insufficient to determine the role of this variant in disease. Therefore, it has been classified as a Variant of Uncertain Significance.

Ambry Genetics
Classification: Uncertain significance for Hereditary cancer-predisposing syndrome. Last evaluated: 2024-07-25. Review status: criteria provided, single submitter. Criteria: Ambry Variant Classification Scheme 2023. Collection method: clinical testing. Allele origin: germline.
Comment: The p.A21G variant (also known as c.62C>G), located in coding exon 1 of the FH gene, results from a C to G substitution at nucleotide position 62. The alanine at codon 21 is replaced by glycine, an amino acid with similar properties. This amino acid position is well conserved in available vertebrate species. In addition, this alteration is predicted to be tolerated by in silico analysis. Based on the available evidence, the clinical significance of this variant remains unclear.

NM_000143.4(FH):c.62C>G (p.Ala21Gly)

Gene: FH (fumarate hydratase; minus strand). Cytogenetic location: 1q43.
Variant type: single nucleotide variant.
Coding change: c.62C>G on transcript NM_000143.4 (MANE Select); coding-DNA position 62, C replaced by G.
Protein change: p.Ala21Gly; replaces alanine 21 with glycine.
Molecular consequence: missense variant.
Genome position (GRCh38, 1-based): chr1:241,519,661, G>C on the plus strand (C>G on the coding strand, the complement: FH is on the minus strand). VCF-style: chr1-241519661-G-C. GRCh37 (hg19) VCF-style: chr1-241682961-G-C.
Other names: short protein forms A21G.
Identifiers: ClinVar variation 429190 (VCV000429190.8), dbSNP rs1131691251, ClinGen allele CA345442894.